The following is an entry in ClinVar:

ClinVar aggregate classification (germline): Conflicting classifications of pathogenicity. Review status: criteria provided, conflicting classifications (1 of 4 stars). 5 submissions from 5 submitters: Uncertain significance (1); Likely benign (2). 2 of the submissions do not count toward it. Last evaluated 2024-06-28.

Conditions:
Hereditary cancer-predisposing syndrome. Also called: Tumor predisposition; Neoplastic Syndromes, Hereditary; Hereditary Cancer Syndrome; Hereditary neoplastic syndrome. Identifiers: Orphanet 140162, MedGen C0027672, MeSH D009386, MONDO:0015356.
Hereditary breast ovarian cancer syndrome. Also called: Hereditary breast and ovarian cancer syndrome (HBOC); Hereditary breast and ovarian cancer syndrome; Hereditary breast and ovarian cancer; Hereditary breast and/or ovarian cancer syndrome; Breast and ovarian cancer; BRCA1- and BRCA2-Associated Hereditary Breast and Ovarian Cancer. Identifiers: Orphanet 145, MedGen C0677776, MeSH D061325, MONDO:0003582. Disease mechanism: loss of function.
Breast-ovarian cancer, familial, susceptibility to, 1 (BROVCA1). Also called: OVARIAN CANCER, SUSCEPTIBILITY TO; BRCA1 Hereditary Breast and Ovarian Cancer. Identifiers: Orphanet 145, MedGen C2676676, MONDO:0011450, OMIM 604370. Disease mechanism: loss of function.
Familial cancer of breast. Also called: Hereditary breast cancer; hereditary breast carcinoma; BREAST CANCER, FAMILIAL. Identifiers: Orphanet 227535, MedGen C0346153, MONDO:0016419, OMIM 114480. Disease mechanism: loss of function.

Allele frequency attached by ClinVar (database versions not stated): gnomAD exomes below 0.00001.
gnomAD v4.1: 2 of 1,613,964 alleles (0.00012%); highest among the groups gnomAD compares: East Asian, 0.0045%; no homozygotes.

Submissions (6):

Labcorp Genetics (formerly Invitae), Labcorp
Classification: Likely benign for Hereditary breast ovarian cancer syndrome. Last evaluated: 2024-06-28. Review status: criteria provided, single submitter. Criteria: Invitae Variant Classification Sherloc (09022015). Collection method: clinical testing. Allele origin: germline.

Ambry Genetics
Classification: Likely benign for Hereditary cancer-predisposing syndrome. Last evaluated: 2023-06-26. Review status: criteria provided, single submitter. Criteria: Ambry Variant Classification Scheme 2023. Collection method: clinical testing. Allele origin: germline.

Color Diagnostics, LLC DBA Color Health
Classification: Uncertain significance for Hereditary cancer-predisposing syndrome. Last evaluated: 2022-06-21. Review status: criteria provided, single submitter. Criteria: ACMG Guidelines, 2015. Collection method: clinical testing. Allele origin: germline.
Comment: This missense variant replaces isoleucine with threonine at codon 89 of the BRCA1 protein. Computational prediction is inconclusive regarding the impact of this variant on protein structure and function (internally defined REVEL score threshold 0.5 < inconclusive < 0.7, PMID: 27666373). Functional studies reported discordant results for this variant for which it was reported to be defective in a transcription activation assay and an E2 ligase binding assay but proficient in BARD1 binding, polyubiquinylation and in haploid human cell proliferation assays (PMID: 15674350, 16403807, 30209399). This variant has been reported in an individual affected with breast cancer and in a breast cancer case-control meta-analysis in 3/60466 cases and 0/53461 unaffected individuals (PMID: 11149413, 33471991; Leiden Open Variation Database DB-ID BRCA1_000067). This variant has been identified in 1/251234 chromosomes in the general population by the Genome Aggregation Database (gnomAD). The available evidence is insufficient to determine the role of this variant in disease conclusively. Therefore, this variant is classified as a Variant of Uncertain Significance.

Breast Cancer Information Core (BIC) (BRCA1)
Classification: Uncertain significance for Breast-ovarian cancer, familial 1. Last evaluated: 1999-04-12. Review status: no assertion criteria provided. Collection method: clinical testing. Allele origin: germline. Affected: yes. Observed: 2 variant alleles. Not counted in ClinVar's aggregate classification.

Brotman Baty Institute, University of Washington
No classification provided (evidence only). Condition: Breast-ovarian cancer, familial 1. Review status: no classification provided. Collection method: in vitro. Allele origin: not applicable. Functional consequence: functionally_normal. Not counted in ClinVar's aggregate classification.
ClinVar note: "not provided" was previously submitted as the classification for the variant. However, the classification appeared to be based only on an observation of functional data so it was converted to no classification on 2025-07-30.

Center for Precision Medicine, Meizhou People's Hospital
Classification: Uncertain significance for Familial cancer of breast. Review status: no assertion criteria provided. Collection method: literature only. Allele origin: germline. Affected: yes. Not counted in ClinVar's aggregate classification.

Literature cited by the submitters: PubMed 30209399 (cited by 3 submitters); PubMed 11149413 (cited by Color Diagnostics, LLC DBA Color Health); PubMed 15674350 (cited by Color Diagnostics, LLC DBA Color Health); PubMed 16403807 (cited by Color Diagnostics, LLC DBA Color Health); PubMed 33471991 (cited by Color Diagnostics, LLC DBA Color Health).

NM_007294.4(BRCA1):c.266T>C (p.Ile89Thr)

Gene: BRCA1 (BRCA1 DNA repair associated; minus strand). Cytogenetic location: 17q21.31.
Variant type: single nucleotide variant.
Coding change: c.266T>C on transcript NM_007294.4 (MANE Select); coding-DNA position 266, T replaced by C.
Protein change: p.Ile89Thr; replaces isoleucine 89 with threonine.
Molecular consequence: missense variant. On other transcripts: non-coding transcript variant (1).
Genome position (GRCh38, 1-based): chr17:43,104,903, A>G on the plus strand (T>C on the coding strand, the complement: BRCA1 is on the minus strand). VCF-style: chr17-43104903-A-G. GRCh37 (hg19) VCF-style: chr17-41256920-A-G.
Other names: c.266T>C, p.Ile89Thr (NM_001408426.1, NM_001408427.1, NM_001408428.1 and 168 more transcripts); c.134T>C, p.Ile45Thr (NM_001408451.1); c.125T>C, p.Ile42Thr (NM_001408452.1, NM_001408453.1, NM_001408454.1 and 99 more transcripts); c.188T>C, p.Ile63Thr (NM_001408474.1, NM_001408475.1, NM_001408476.1 and 21 more transcripts); c.56T>C, p.Ile19Thr (NM_001408478.1, NM_001408479.1, NM_001408480.1 and 58 more transcripts); c.-116T>C (NM_001408510.1, NM_001408512.1, NM_001407959.1 and 4 more transcripts); short protein forms I89T, I42T, I45T, I63T, I19T.
Identifiers: ClinVar variation 54635 (VCV000054635.21), dbSNP rs80357097, ClinGen allele CA001747.